The following is an entry in ClinVar:

NM_004859.4(CLTC):c.4210T>C (p.Tyr1404His)

Genes: CLTC (clathrin heavy chain; plus strand), LOC126862609 (CDK7 strongly-dependent group 2 enhancer GRCh37_chr17:57760547-57761746; plus strand). Cytogenetic location: 17q23.1.
Variant type: single nucleotide variant.
Coding change: c.4210T>C on transcript NM_004859.4 (MANE Select); coding-DNA position 4210, T replaced by C.
Protein change: p.Tyr1404His; replaces tyrosine 1404 with histidine.
Molecular consequence: missense variant.
Genome position (GRCh38, 1-based): chr17:59,683,643, T>C. VCF-style: chr17-59683643-T-C. GRCh37 (hg19) VCF-style: chr17-57761004-T-C.
Other names: c.4222T>C, p.Tyr1408His (NM_001288653.2); short protein forms Y1404H, Y1408H.
Identifiers: ClinVar variation 2965786 (VCV002965786.4), dbSNP rs2509155001, ClinGen allele CA400421024.

ClinVar aggregate classification (germline): Conflicting classifications of pathogenicity. Review status: criteria provided, conflicting classifications (1 of 4 stars). 2 submissions from 2 submitters: Uncertain significance (1); Likely benign (1). Last evaluated 2024-09-20.

Conditions:
Intellectual developmental disorder, autosomal dominant 56. Also called: MENTAL RETARDATION, AUTOSOMAL DOMINANT 56; Intellectual disability, autosomal dominant 56. Identifiers: MedGen C4693389, MONDO:0030922, OMIM 617854.

Submissions (2):

3billion
Classification: Likely benign for Intellectual developmental disorder, autosomal dominant 56. Last evaluated: 2024-09-20. Review status: criteria provided, single submitter. Criteria: ACMG Guidelines, 2015. Collection method: clinical testing. Allele origin: germline. Affected: no.
Comment: The variant was identified in at least one patient who was diagnosed with a different variant in another gene and showed no symptoms related to the gene containing the variant in question.

Labcorp Genetics (formerly Invitae), Labcorp
Classification: Uncertain significance. Last evaluated: 2023-04-24. Review status: criteria provided, single submitter. Criteria: Invitae Variant Classification Sherloc (09022015). Collection method: clinical testing. Allele origin: germline.
Comment: In summary, the available evidence is currently insufficient to determine the role of this variant in disease. Therefore, it has been classified as a Variant of Uncertain Significance. Advanced modeling of protein sequence and biophysical properties (such as structural, functional, and spatial information, amino acid conservation, physicochemical variation, residue mobility, and thermodynamic stability) performed at Invitae indicates that this missense variant is not expected to disrupt CLTC protein function. This variant has not been reported in the literature in individuals affected with CLTC-related conditions. This variant is not present in population databases (gnomAD no frequency). This sequence change replaces tyrosine, which is neutral and polar, with histidine, which is basic and polar, at codon 1408 of the CLTC protein (p.Tyr1408His).